The following is an entry in ClinVar:

NM_007254.4(PNKP):c.235T>G (p.Leu79Val)

Gene: PNKP (polynucleotide kinase 3'-phosphatase; minus strand). Cytogenetic location: 19q13.33.
Variant type: single nucleotide variant.
Coding change: c.235T>G on transcript NM_007254.4 (MANE Select); coding-DNA position 235, T replaced by G.
Protein change: p.Leu79Val; replaces leucine 79 with valine.
Molecular consequence: missense variant.
Genome position (GRCh38, 1-based): chr19:49,865,390, A>C on the plus strand (T>G on the coding strand, the complement: PNKP is on the minus strand). VCF-style: chr19-49865390-A-C. GRCh37 (hg19) VCF-style: chr19-50368647-A-C.
Other names: p.L79V:TTG>GTG; short protein forms L79V.
Identifiers: ClinVar variation 206382 (VCV000206382.2), dbSNP rs796052849, ClinGen allele CA316444.

ClinVar aggregate classification (germline): Uncertain significance (1 of 4 stars; one submission).

Submission:

GeneDx
Classification: Uncertain significance. Last evaluated: 2016-10-19. Review status: criteria provided, single submitter. Criteria: GeneDx Variant Classification (06012015). Collection method: clinical testing. Allele origin: germline. Affected: yes.
Comment: A variant of uncertain significance has been identified in the PNKP gene. The L79V variant has not been published as a pathogenic variant, nor has it been reported as a benign variant to our knowledge. It was not observed in approximately 6,500 individuals of European and African American ancestry in the NHLBI Exome Sequencing Project, indicating it is not a common benign variant in these populations. This substitution occurs at a position that is conserved across species. However, the L79V variant is a conservative amino acid substitution, which is not likely to impact secondary protein structure as these residues share similar properties. In silico analysis is inconsistent in its predictions as to whether or not the variant is damaging to the protein structure/function. Therefore, based on the currently available information, it is unclear whether this variant is a pathogenic variant or a rare benign variant.